The following is an entry in ClinVar:

NM_004082.5(DCTN1):c.-9G>C

Gene: DCTN1 (dynactin subunit 1; minus strand). Cytogenetic location: 2p13.1.
Variant type: single nucleotide variant.
Coding change: c.-9G>C on transcript NM_004082.5 (MANE Select); 9 bases upstream of the start codon, G replaced by C.
Molecular consequence: 5 prime UTR variant. On other transcripts: intron variant (3).
Genome position (GRCh38, 1-based): chr2:74,380,046, C>G on the plus strand (G>C on the coding strand, the complement: DCTN1 is on the minus strand). VCF-style: chr2-74380046-C-G. GRCh37 (hg19) VCF-style: chr2-74607173-C-G.
Other names: c.-9G>C (NM_001135040.3, NM_001190837.2); c.-18-1801G>C (NM_001190836.2, NM_001378992.1, NM_001378991.1).
Identifiers: ClinVar variation 4981757 (VCV004981757.1).

ClinVar aggregate classification (germline): Likely benign (1 of 4 stars; one submission).

Conditions:
DCTN1-related disorder. Also called: DCTN1-related condition.

gnomAD v4.1: 26 of 1,614,104 alleles (0.0016%); highest among the groups gnomAD compares: Admixed American, 0.043%; no homozygotes.

Submission:

PreventionGenetics, part of Exact Sciences
Classification: Likely benign for DCTN1-related condition. Last evaluated: 2026-06-17. Review status: criteria provided, single submitter. Criteria: ACMG Guidelines, 2015. Collection method: clinical testing. Allele origin: germline.
Comment: This variant is classified as likely benign based on ACMG/AMP sequence variant interpretation guidelines (Richards et al. 2015 PMID: 25741868, with internal and published modifications).